The following is an entry in ClinVar:

NM_000321.3(RB1):c.1645C>T (p.His549Tyr)

Gene: RB1 (RB transcriptional corepressor 1; plus strand). Cytogenetic location: 13q14.2.
Variant type: single nucleotide variant.
Coding change: c.1645C>T on transcript NM_000321.3 (MANE Select); coding-DNA position 1645, C replaced by T.
Protein change: p.His549Tyr; replaces histidine 549 with tyrosine.
Molecular consequence: missense variant.
Genome position (GRCh38, 1-based): chr13:48,381,393, C>T. VCF-style: chr13-48381393-C-T. GRCh37 (hg19) VCF-style: chr13-48955529-C-T.
Other names: c.1645C>T, p.His549Tyr (NM_001407165.1, NM_001407166.1); short protein forms H549Y.
Identifiers: ClinVar variation 4710094 (VCV004710094.1).

ClinVar aggregate classification (germline): Uncertain significance (1 of 4 stars; one submission).

Conditions:
Retinoblastoma (RB1). Also called: RETINOBLASTOMA, SOMATIC. Identifiers: Orphanet 790, MedGen C0035335, MeSH D012175, MONDO:0008380, OMIM 180200, HP:0009919. Disease mechanism: loss of function. Inheritance: Both sporadic and heritable forms are tested..

gnomAD v4.1: 1 of 1,613,338 alleles (0.000062%); highest among the groups gnomAD compares: Non-Finnish European, 0.000085%; no homozygotes.

Submission:

Labcorp Genetics (formerly Invitae), Labcorp
Classification: Uncertain significance for Retinoblastoma. Last evaluated: 2025-08-09. Review status: criteria provided, single submitter. Criteria: Invitae Variant Classification Sherloc (09022015). Collection method: clinical testing. Allele origin: germline.
Comment: This sequence change replaces histidine, which is basic and polar, with tyrosine, which is neutral and polar, at codon 549 of the RB1 protein (p.His549Tyr). This variant is not present in population databases (gnomAD no frequency). This variant has not been reported in the literature in individuals affected with RB1-related conditions. Invitae Evidence Modeling of protein sequence and biophysical properties (such as structural, functional, and spatial information, amino acid conservation, physicochemical variation, residue mobility, and thermodynamic stability) indicates that this missense variant is not expected to disrupt RB1 protein function with a negative predictive value of 80%. In summary, the available evidence is currently insufficient to determine the role of this variant in disease. Therefore, it has been classified as a Variant of Uncertain Significance.